The following is an entry in ClinVar:

ClinVar aggregate classification (germline): Likely benign (0 of 4 stars; one submission).

Conditions:
EPHB2-related disorder. Also called: EPHB2-related condition.

Allele frequency attached by ClinVar (database versions not stated): ExAC 0.00003; gnomAD 0.00007; TOPMed 0.00008; ESP Exome Variant Server 0.00015.
gnomAD v4.1: 283 of 1,614,080 alleles (0.018%); highest among the groups gnomAD compares: Non-Finnish European, 0.022%; no homozygotes.

Submission:

PreventionGenetics, part of Exact Sciences
Classification: Likely benign for EPHB2-related condition. Last evaluated: 2019-07-16. Review status: no assertion criteria provided. Collection method: clinical testing. Allele origin: germline.
Comment: This variant is classified as likely benign based on ACMG/AMP sequence variant interpretation guidelines (Richards et al. 2015 PMID: 25741868, with internal and published modifications).

NM_017449.5(EPHB2):c.2409C>T (p.Phe803=)

Gene: EPHB2 (EPH receptor B2; plus strand). Cytogenetic location: 1p36.12.
Variant type: single nucleotide variant.
Coding change: c.2409C>T on transcript NM_017449.5 (MANE Select); coding-DNA position 2409, C replaced by T.
Protein change: p.Phe803=; no amino-acid change (phenylalanine 803 retained).
Molecular consequence: synonymous variant.
Genome position (GRCh38, 1-based): chr1:22,909,078, C>T. VCF-style: chr1-22909078-C-T. GRCh37 (hg19) VCF-style: chr1-23235571-C-T.
Other names: c.2235C>T, p.Phe745= (NM_001309192.2); c.2409C>T, p.Phe803= (NM_001309193.2); c.2412C>T, p.Phe804= (NM_004442.7).
Identifiers: ClinVar variation 3049294 (VCV003049294.2), dbSNP rs201751121, ClinGen allele CA678959.
Genomic context (GRCh38, chr1:22,909,078, plus strand): 5'-CCAGGGCGGAAAGATCCCCATCCGCTGGACAGCCCCGGAAGCCATCCAGTACCGGAAGTT[C>T]ACCTCGGCCAGTGATGTGTGGAGCTACGGCATTGTCATGTGGGAGGTGATGTCCTATGGG-3'
Protein context (NP_059145.2, residues 793-813): TAPEAIQYRK[Phe803=]TSASDVWSYG